The following is an entry in ClinVar:

NM_032043.3(BRIP1):c.2568T>C (p.Tyr856=)

Gene: BRIP1 (BRCA1 interacting DNA helicase 1; minus strand). Cytogenetic location: 17q23.2.
Variant type: single nucleotide variant.
Coding change: c.2568T>C on transcript NM_032043.3 (MANE Select); coding-DNA position 2568, T replaced by C.
Protein change: p.Tyr856=; no amino-acid change (tyrosine 856 retained).
Molecular consequence: synonymous variant.
Genome position (GRCh38, 1-based): chr17:61,693,437, A>G on the plus strand (T>C on the coding strand, the complement: BRIP1 is on the minus strand). VCF-style: chr17-61693437-A-G. GRCh37 (hg19) VCF-style: chr17-59770798-A-G.
Identifiers: ClinVar variation 391508 (VCV000391508.21), dbSNP rs370175724, ClinGen allele CA8690487.

ClinVar aggregate classification (germline): Benign/Likely benign. Review status: criteria provided, multiple submitters, no conflicts (2 of 4 stars). 7 submissions from 7 submitters: Benign (1); Likely benign (6). Last evaluated 2026-01-12.

Conditions:
Hereditary cancer-predisposing syndrome. Also called: Neoplastic Syndromes, Hereditary; Hereditary neoplastic syndrome; Tumor predisposition; Hereditary Cancer Syndrome. Identifiers: Orphanet 140162, MedGen C0027672, MeSH D009386, MONDO:0015356.
Familial cancer of breast. Also called: BREAST CANCER, FAMILIAL; hereditary breast carcinoma; Hereditary breast cancer. Identifiers: Orphanet 227535, MedGen C0346153, MONDO:0016419, OMIM 114480. Disease mechanism: loss of function.
Fanconi anemia complementation group J. Also called: BRIP1-Related Fanconi Anemia. Identifiers: Orphanet 84, MedGen C1836860, MONDO:0012187, OMIM 609054.

Allele frequency attached by ClinVar (database versions not stated): ExAC 0.00001; gnomAD 0.00001; gnomAD exomes 0.00001; TOPMed 0.00002; ESP Exome Variant Server 0.00008.
gnomAD v4.1: 9 of 1,612,700 alleles (0.00056%); highest among the groups gnomAD compares: African/African-American, 0.0093%; no homozygotes.

Submissions (7):

Labcorp Genetics (formerly Invitae), Labcorp
Classification: Likely benign for Familial cancer of breast; Fanconi anemia complementation group J. Last evaluated: 2026-01-12. Review status: criteria provided, single submitter. Criteria: Invitae Variant Classification Sherloc (09022015). Collection method: clinical testing. Allele origin: germline.

Quest Diagnostics Nichols Institute San Juan Capistrano
Classification: Likely benign. Last evaluated: 2025-08-19. Review status: criteria provided, single submitter. Criteria: Quest Diagnostics criteria. Collection method: clinical testing. Allele origin: unknown.

Myriad Genetics, Inc.
Classification: Benign for Familial cancer of breast. Last evaluated: 2024-09-05. Review status: criteria provided, single submitter. Criteria: Myriad Autosomal Dominant, Autosomal Recessive and X-Linked Classification Criteria (2023). Collection method: clinical testing. Allele origin: unknown.
Comment: This variant is considered benign. This variant is a silent/synonymous amino acid change and it is not expected to impact splicing.

Sema4
Classification: Likely benign for Hereditary cancer-predisposing syndrome. Last evaluated: 2021-05-18. Review status: criteria provided, single submitter. Criteria: Sema4 Curation Guidelines. Collection method: curation. Allele origin: germline.

Ambry Genetics
Classification: Likely benign for Hereditary cancer-predisposing syndrome. Last evaluated: 2019-07-29. Review status: criteria provided, single submitter. Criteria: Ambry Variant Classification Scheme 2023. Collection method: clinical testing. Allele origin: germline.

Color Diagnostics, LLC DBA Color Health
Classification: Likely benign for Hereditary cancer-predisposing syndrome. Last evaluated: 2019-03-26. Review status: criteria provided, single submitter. Criteria: ACMG Guidelines, 2015. Collection method: clinical testing. Allele origin: germline.

GeneDx
Classification: Likely benign. Last evaluated: 2016-12-01. Review status: criteria provided, single submitter. Criteria: GeneDx Variant Classification (06012015). Collection method: clinical testing. Allele origin: germline. Affected: yes.
Comment: This variant is considered likely benign or benign based on one or more of the following criteria: it is a conservative change, it occurs at a poorly conserved position in the protein, it is predicted to be benign by multiple in silico algorithms, and/or has population frequency not consistent with disease.